The following is an entry in ClinVar:

ClinVar aggregate classification (germline): Uncertain significance (1 of 4 stars; one submission).

Conditions:
Hereditary spherocytosis type 3. Also called: SPTA1-Related Spherocytosis; Spherocytosis type 3. Identifiers: Orphanet 822, MedGen C2678338, MONDO:0010053, OMIM 270970.

Submission:

Baylor Genetics
Classification: Uncertain significance for Hereditary spherocytosis type 3. Last evaluated: 2019-11-08. Review status: criteria provided, single submitter. Criteria: ACMG Guidelines, 2015. Collection method: clinical testing. Allele origin: unknown. Affected: yes.
Comment: This variant was determined to be of uncertain significance according to ACMG Guidelines, 2015 [PMID:25741868].

NM_003126.4(SPTA1):c.6697T>C (p.Tyr2233His)

Gene: SPTA1 (spectrin alpha, erythrocytic 1; minus strand). Cytogenetic location: 1q23.1.
Variant type: single nucleotide variant.
Coding change: c.6697T>C on transcript NM_003126.4 (MANE Select); coding-DNA position 6697, T replaced by C.
Protein change: p.Tyr2233His; replaces tyrosine 2233 with histidine.
Molecular consequence: missense variant.
Genome position (GRCh38, 1-based): chr1:158,615,307, A>G on the plus strand (T>C on the coding strand, the complement: SPTA1 is on the minus strand). VCF-style: chr1-158615307-A-G. GRCh37 (hg19) VCF-style: chr1-158585097-A-G.
Other names: short protein forms Y2233H.
Identifiers: ClinVar variation 1030632 (VCV001030632.1), dbSNP rs1649487063, ClinGen allele CA343014055.
Genomic context (GRCh38, chr1:158,615,307, plus strand): 5'-GCATCCGCAACCCAAGCTGGTAGAGCTGGTCCCACTGCTGAGCCAATCCAATGGTGCTGT[A>G]TTTGATATCAAGGATCAGAGCGTCTTCCAAGTTGTCCCCCAGGTCCACAATCTTGGTTAG-3'
Protein context (NP_003117.2, residues 2223-2243): LEDALILDIK[Tyr2233His]STIGLAQQWD